The following is an entry in ClinVar:

NM_001006658.3(CR2):c.970C>T (p.Arg324Cys)

Genes: CR2 (complement C3d receptor 2; plus strand), LOC126805994 (BRD4-independent group 4 enhancer GRCh37_chr1:207642622-207643821; plus strand). Cytogenetic location: 1q32.2.
Variant type: single nucleotide variant.
Coding change: c.970C>T on transcript NM_001006658.3 (MANE Select); coding-DNA position 970, C replaced by T.
Protein change: p.Arg324Cys; replaces arginine 324 with cysteine.
Molecular consequence: missense variant.
Genome position (GRCh38, 1-based): chr1:207,469,847, C>T. VCF-style: chr1-207469847-C-T. GRCh37 (hg19) VCF-style: chr1-207643192-C-T.
Other names: c.970C>T, p.Arg324Cys (NM_001877.5); short protein forms R324C.
Identifiers: ClinVar variation 546622 (VCV000546622.62), dbSNP rs147393483, ClinGen allele CA1368593.

ClinVar aggregate classification (germline): Conflicting classifications of pathogenicity. Review status: criteria provided, conflicting classifications (1 of 4 stars). 6 submissions from 6 submitters: Uncertain significance (3); Likely benign (2). 1 of the submissions does not count toward it. Last evaluated 2026-02-01.

Conditions:
Immunodeficiency, common variable, 7. Identifiers: Orphanet 1572, Orphanet 696894, MedGen C3542922, MONDO:0013862, OMIM 614699.
CR2-related disorder. Also called: CR2-related condition; CR2-related disorders.
Systemic lupus erythematosus, susceptibility to, 9. Also called: Systemic lupus erythematosus 9. Identifiers: MedGen C1970455, MONDO:0012584, OMIM 610927.

Allele frequency attached by ClinVar (database versions not stated): gnomAD 0.00050 and 0.00055; TOPMed 0.00062; ESP Exome Variant Server 0.00031; gnomAD exomes 0.00049 and 0.00090; ExAC 0.00084; 1000 Genomes Project 30x 0.00156; 1000 Genomes Project 0.00160.
gnomAD v4.1: 838 of 1,613,958 alleles (0.052%); highest among the groups gnomAD compares: Middle Eastern, 0.73%; 3 homozygotes.

Submissions (6):

Labcorp Genetics (formerly Invitae), Labcorp
Classification: Likely benign for Immunodeficiency, common variable, 7. Last evaluated: 2026-02-01. Review status: criteria provided, single submitter. Criteria: Invitae Variant Classification Sherloc (09022015). Collection method: clinical testing. Allele origin: germline.

Blueprint Genetics
Classification: Likely benign. Last evaluated: 2024-11-14. Review status: criteria provided, single submitter. Criteria: ACMG Guidelines, 2015. Collection method: clinical testing. Allele origin: germline.

ARUP Laboratories, Molecular Genetics and Genomics, ARUP Laboratories
Classification: Uncertain significance. Last evaluated: 2024-06-06. Review status: criteria provided, single submitter. Criteria: ARUP Molecular Germline Variant Investigation Process 2024. Collection method: clinical testing. Allele origin: germline.
Comment: The CR2 c.970C>T; p.Arg324Cys variant (rs147393483; ClinVar Variation ID: 546622), is reported in the literature in an individual with suspected common variable immunodeficiency (Bisgin 2021). This variant is found in the general population with an overall allele frequency of 0.08% (236/282,548 alleles, including 2 homozygotes) in the Genome Aggregation Database (v2.1.1). Computational analyses are uncertain whether this variant is neutral or deleterious (REVEL: 0.209). Due to limited information, the clinical significance of the p.Arg324Cys variant is uncertain at this time. References: Bisgin A et al. The impact of rare and low-frequency genetic variants in common variable immunodeficiency (CVID). Sci Rep. 2021 Apr 15;11(1):8308. PMID: 33859323.

CeGaT Center for Human Genetics Tuebingen
Classification: Uncertain significance. Last evaluated: 2018-03-01. Review status: criteria provided, single submitter. Criteria: CeGaT Center For Human Genetics Tuebingen Variant Classification Criteria Version 2. Collection method: clinical testing. Allele origin: germline. Affected: yes. Observed: 1 variant allele.

Center for Genomics, Ann and Robert H. Lurie Children's Hospital of Chicago
Classification: Uncertain significance for Immunodeficiency, common variable, 7; Systemic lupus erythematosus, susceptibility to, 9. Review status: criteria provided, single submitter. Criteria: ACMG Guidelines, 2015. Collection method: clinical testing. Allele origin: germline.
Comment: CR2 NM_001006658.2 exon 6 p.Arg324Cys (c.970C>T): This variant has not been reported in the literature but is present in 0.1% (28/15268) of Latino alleles in the Genome Aggregation Database. This variant is present in ClinVar (Variation ID:546622). Evolutionary conservation suggests that this variant may not impact the protein; computational predictive tools for this variant are unclear. In summary, data on this variant is insufficient for disease classification. Therefore, the clinical significance of this variant is uncertain.

PreventionGenetics, part of Exact Sciences
Classification: Likely benign for CR2-related condition. Last evaluated: 2024-04-11. Review status: no assertion criteria provided. Collection method: clinical testing. Allele origin: germline. Not counted in ClinVar's aggregate classification.
Comment: This variant is classified as likely benign based on ACMG/AMP sequence variant interpretation guidelines (Richards et al. 2015 PMID: 25741868, with internal and published modifications).